The following is an entry in ClinVar:

ClinVar aggregate classification (germline): Likely benign. Review status: criteria provided, multiple submitters, no conflicts (2 of 4 stars). 2 submissions from 2 submitters: Likely benign (2). Last evaluated 2026-06-09.

Conditions:
Autosomal recessive polycystic kidney disease (ARPKD). Also called: AR polycystic kidney disease. Identifiers: Orphanet 731, Orphanet 8378, MedGen C0085548, MeSH D017044, MONDO:0009889.
PKHD1-related disorder. Also called: PKHD1-related condition.

gnomAD v4.1: 1 of 1,604,580 alleles (0.000062%); no homozygotes.

Submissions (2):

PreventionGenetics, part of Exact Sciences
Classification: Likely benign for PKHD1-related condition. Last evaluated: 2026-06-09. Review status: criteria provided, single submitter. Criteria: ACMG Guidelines, 2015. Collection method: clinical testing. Allele origin: germline.
Comment: This variant is classified as likely benign based on ACMG/AMP sequence variant interpretation guidelines (Richards et al. 2015 PMID: 25741868, with internal and published modifications).

Labcorp Genetics (formerly Invitae), Labcorp
Classification: Likely benign for Autosomal recessive polycystic kidney disease. Last evaluated: 2024-03-17. Review status: criteria provided, single submitter. Criteria: Invitae Variant Classification Sherloc (09022015). Collection method: clinical testing. Allele origin: germline.

NM_138694.4(PKHD1):c.939T>G (p.Ala313=)

Gene: PKHD1 (PKHD1 ciliary IPT domain containing fibrocystin/polyductin; minus strand). Cytogenetic location: 6p12.2.
Variant type: single nucleotide variant.
Coding change: c.939T>G on transcript NM_138694.4 (MANE Select); coding-DNA position 939, T replaced by G.
Protein change: p.Ala313=; no amino-acid change (alanine 313 retained).
Molecular consequence: synonymous variant.
Genome position (GRCh38, 1-based): chr6:52,064,992, A>C on the plus strand (T>G on the coding strand, the complement: PKHD1 is on the minus strand). VCF-style: chr6-52064992-A-C. GRCh37 (hg19) VCF-style: chr6-51929790-A-C.
Other names: c.939T>G, p.Ala313= (NM_170724.3).
Identifiers: ClinVar variation 704417 (VCV000704417.12), dbSNP rs1399301994, ClinGen allele CA450421136.